The following is an entry in ClinVar:

ClinVar aggregate classification (germline): Uncertain significance (1 of 4 stars; one submission).

Conditions:
Intellectual developmental disorder, autosomal dominant 45. Also called: MENTAL RETARDATION, AUTOSOMAL DOMINANT 45; Intellectual disability, autosomal dominant 45. Identifiers: MedGen C4539848, MONDO:0030910, OMIM 617600.

Submission:

New York Genome Center
Classification: Uncertain significance for Intellectual developmental disorder, autosomal dominant 45. Last evaluated: 2021-09-17. Review status: criteria provided, single submitter. Criteria: NYGC Assertion Criteria 2020. Collection method: clinical testing. Allele origin: germline. Observed: 1 heterozygote. Study: CSER-NYCKidSeq.
Comment: The heterozygous stop-gained variant [c.1736C>G (p.Ser579Ter)] identified in the CIC gene has not been reported in affected individuals in the literature. The variant is absent from gnomAD(v3) database suggesting it is not a common benign variant in populations represented in that database. The CIC gene has multiple transcripts encoding different isoforms which can be broadly grouped into two; the long isoform (CIC-L) and the short isoform [(CIC-S), PMID:28288114]. This stop-gained variant is in exon 2 (of 21) of the transcript NM_001304815 encoding the long isoform. This exon 2 is not a part of the transcript NM_015125 encoding the short isoform [PMID: 282881142]. Pathogenic or likely pathogenic variants in the long-isoform-specific-exon-2 have not been reported in affected individuals in the literature. Given the lack of compelling evidence for its pathogenicity, the heterozygous c.1736C>G (p. Ser579Ter) stop-gained variant identified in the exon 2 of transcript NM_001304815.1 of the CIC gene is reported as a Variant of Uncertain Significance.

NM_001386298.1(CIC):c.1736C>G (p.Ser579Ter)

Gene: CIC (capicua transcriptional repressor; plus strand). Cytogenetic location: 19q13.2.
Variant type: single nucleotide variant.
Coding change: c.1736C>G on transcript NM_001386298.1 (MANE Select); coding-DNA position 1736, C replaced by G.
Protein change: p.Ser579Ter; replaces serine 579 with a stop codon.
Molecular consequence: nonsense.
Genome position (GRCh38, 1-based): chr19:42,273,519, C>G. VCF-style: chr19-42273519-C-G. GRCh37 (hg19) VCF-style: chr19-42777671-C-G.
Other names: c.1736C>G, p.Ser579Ter (NM_001379482.1, NM_001304815.2, NM_001379480.1); short protein forms S579*.
Identifiers: ClinVar variation 1696702 (VCV001696702.1), dbSNP rs2147020089, ClinGen allele CA406085910.